The following is an entry in ClinVar:

ClinVar aggregate classification (germline): Uncertain significance (1 of 4 stars; one submission).

Conditions:
Hereditary cancer-predisposing syndrome. Also called: Neoplastic Syndromes, Hereditary; Tumor predisposition; Hereditary Cancer Syndrome; Hereditary neoplastic syndrome. Identifiers: Orphanet 140162, MedGen C0027672, MeSH D009386, MONDO:0015356.

Submission:

Ambry Genetics
Classification: Uncertain significance for Hereditary cancer-predisposing syndrome. Last evaluated: 2024-09-16. Review status: criteria provided, single submitter. Criteria: Ambry Variant Classification Scheme 2023. Collection method: clinical testing. Allele origin: germline.
Comment: The p.P621A variant (also known as c.1861C>G), located in coding exon 5 of the PALB2 gene, results from a C to G substitution at nucleotide position 1861. The proline at codon 621 is replaced by alanine, an amino acid with highly similar properties. This amino acid position is conserved. In addition, this alteration is predicted to be tolerated by in silico analysis. Based on the available evidence, the clinical significance of this variant remains unclear.

NM_024675.4(PALB2):c.1861C>G (p.Pro621Ala)

Gene: PALB2 (partner and localizer of BRCA2; minus strand). Cytogenetic location: 16p12.2.
Variant type: single nucleotide variant.
Coding change: c.1861C>G on transcript NM_024675.4 (MANE Select); coding-DNA position 1861, C replaced by G.
Protein change: p.Pro621Ala; replaces proline 621 with alanine.
Molecular consequence: missense variant. On other transcripts: intron variant (1).
Genome position (GRCh38, 1-based): chr16:23,630,293, G>C on the plus strand (C>G on the coding strand, the complement: PALB2 is on the minus strand). VCF-style: chr16-23630293-G-C. GRCh37 (hg19) VCF-style: chr16-23641614-G-C.
Other names: c.1801C>G, p.Pro601Ala (NM_001407296.1); c.1861C>G, p.Pro621Ala (NM_001407297.1, NM_001407298.1, NM_001407299.1 and 3 more transcripts); c.976C>G, p.Pro326Ala (NM_001407304.1, NM_001407305.1, NM_001407306.1 and 5 more transcripts); c.73C>G, p.Pro25Ala (NM_001407312.1, NM_001407313.1); c.49-1018C>G (NM_001407314.1); short protein forms P25A, P601A, P326A, P621A.
Identifiers: ClinVar variation 3413466 (VCV003413466.1).
Genomic context (GRCh38, chr16:23,630,293, plus strand): 5'-TTGACTCAAAGGGCTCCACTGGTTTTTCTGAGCAGGACTTCACTTTTTCAAGCTTAAGAG[G>C]TCCAAAGTCTTCATCAGGTAACTGAAAGTCTGTGATACTGAGAAAAGACAGTAGTTGCTT-3'
Protein context (NP_078951.2, residues 611-631): DFQLPDEDFG[Pro621Ala]LKLEKVKSCS